The following is an entry in ClinVar:

NM_004612.4(TGFBR1):c.620T>C (p.Leu207Ser)

Gene: TGFBR1 (transforming growth factor beta receptor 1; plus strand). Cytogenetic location: 9q22.33.
Variant type: single nucleotide variant.
Coding change: c.620T>C on transcript NM_004612.4 (MANE Select); coding-DNA position 620, T replaced by C.
Protein change: p.Leu207Ser; replaces leucine 207 with serine.
Molecular consequence: missense variant.
Genome position (GRCh38, 1-based): chr9:99,137,904, T>C. VCF-style: chr9-99137904-T-C. GRCh37 (hg19) VCF-style: chr9-101900186-T-C.
Other names: c.389T>C, p.Leu130Ser (NM_001130916.3); c.632T>C, p.Leu211Ser (NM_001306210.2); short protein forms L130S, L207S, L211S.
Identifiers: ClinVar variation 1306330 (VCV001306330.2), dbSNP rs2118710215, ClinGen allele CA374229450.

ClinVar aggregate classification (germline): Uncertain significance (1 of 4 stars; one submission).

Submission:

GeneDx
Classification: Uncertain significance. Last evaluated: 2019-06-05. Review status: criteria provided, single submitter. Criteria: GeneDx Variant Classification Process June 2021. Collection method: clinical testing. Allele origin: germline. Affected: yes.
Comment: Has not been previously published as pathogenic or benign to our knowledge; Not observed in large population cohorts (Lek et al., 2016); In silico analysis, which includes protein predictors and evolutionary conservation, supports a deleterious effect